The following is an entry in ClinVar:

ClinVar aggregate classification (germline): Uncertain significance (1 of 4 stars; one submission).

Conditions:
Early-infantile DEE. Also called: Early infantile epileptic encephalopathy; Ohtahara syndrome; Early infantile epileptic encephalopathy with suppression bursts. Identifiers: Orphanet 1934, MedGen C0393706, MONDO:0800491.

gnomAD v4.1: 1 of 1,545,644 alleles (0.000065%); highest among the groups gnomAD compares: Non-Finnish European, 0.000087%; no homozygotes.

Submission:

Labcorp Genetics (formerly Invitae), Labcorp
Classification: Uncertain significance for Early-infantile DEE. Last evaluated: 2021-03-22. Review status: criteria provided, single submitter. Criteria: Invitae Variant Classification Sherloc (09022015). Collection method: clinical testing. Allele origin: germline.
Comment: In summary, the available evidence is currently insufficient to determine the role of this variant in disease. Therefore, it has been classified as a Variant of Uncertain Significance. Algorithms developed to predict the effect of missense changes on protein structure and function are either unavailable or do not agree on the potential impact of this missense change (SIFT: "Tolerated"; PolyPhen-2: "Possibly Damaging"; Align-GVGD: "Class C0"). This variant has not been reported in the literature in individuals with CACNA2D2-related conditions. This variant is not present in population databases (ExAC no frequency). This sequence change replaces proline with leucine at codon 1131 of the CACNA2D2 protein (p.Pro1131Leu). The proline residue is moderately conserved and there is a moderate physicochemical difference between proline and leucine.

NM_006030.4(CACNA2D2):c.3392C>T (p.Pro1131Leu)

Genes: CACNA2D2 (calcium voltage-gated channel auxiliary subunit alpha2delta 2; minus strand), LOC127898564 (CYB561D2-LOC101928965; plus strand). Cytogenetic location: 3p21.31.
Variant type: single nucleotide variant.
Coding change: c.3392C>T on transcript NM_006030.4 (MANE Select); coding-DNA position 3392, C replaced by T.
Protein change: p.Pro1131Leu; replaces proline 1131 with leucine.
Molecular consequence: missense variant.
Genome position (GRCh38, 1-based): chr3:50,364,706, G>A on the plus strand (C>T on the coding strand, the complement: CACNA2D2 is on the minus strand). VCF-style: chr3-50364706-G-A. GRCh37 (hg19) VCF-style: chr3-50402137-G-A.
Other names: c.3398C>T, p.Pro1133Leu (NM_001005505.3); c.3413C>T, p.Pro1138Leu (NM_001174051.3); c.3191C>T, p.Pro1064Leu (NM_001291101.1); short protein forms P1131L, P1138L, P1133L, P1064L.
Identifiers: ClinVar variation 1415591 (VCV001415591.9), dbSNP rs1559869119, ClinGen allele CA352960940.